The following is an entry in ClinVar:

ClinVar aggregate classification (germline): Likely benign (1 of 4 stars; one submission).

gnomAD v4.1: 381 of 1,613,034 alleles (0.024%); highest among the groups gnomAD compares: African/African-American, 0.17%; no homozygotes.

Submission:

CeGaT Center for Human Genetics Tuebingen
Classification: Likely benign. Last evaluated: 2025-07-01. Review status: criteria provided, single submitter. Criteria: CeGaT Center For Human Genetics Tuebingen Variant Classification Criteria Version 2. Collection method: clinical testing. Allele origin: germline. Affected: yes. Observed: 1 variant allele.
Comment: PSAPL1: BP4, BP7

NM_001085382.2(PSAPL1):c.1167G>A (p.Ala389=)

Genes: PSAPL1 (prosaposin like 1; minus strand), SORCS2 (sortilin related VPS10 domain containing receptor 2; plus strand). Cytogenetic location: 4p16.1.
Variant type: single nucleotide variant.
Coding change: c.1167G>A on transcript NM_001085382.2 (MANE Select); coding-DNA position 1167, G replaced by A.
Protein change: p.Ala389=; no amino-acid change (alanine 389 retained).
Molecular consequence: synonymous variant. On other transcripts: intron variant (1).
Genome position (GRCh38, 1-based): chr4:7,433,713, C>T on the plus strand (G>A on the coding strand, the complement: PSAPL1 is on the minus strand). VCF-style: chr4-7433713-C-T. GRCh37 (hg19) VCF-style: chr4-7435440-C-T.
Other names: c.548+37358C>T (NM_020777.3).
Identifiers: ClinVar variation 4084335 (VCV004084335.8).
Genomic context (GRCh38, chr4:7,433,713, plus strand): 5'-GTTGTGGGAGGACACCGTGAGCAGCCTCTTGCACCCATTGCAGAAGCTGCCCTGGTTCTC[C>T]GCGTCCCACTCTGGGGACGGCACGATGGCATAGGCATCATGGACTGCCCGGGCCCGCCTC-3'
Protein context (NP_001078851.1, residues 379-399): YAIVPSPEWD[Ala389=]ENQGSFCNGC